The following is an entry in ClinVar:

NM_006306.4(SMC1A):c.3206G>A (p.Arg1069His)

Gene: SMC1A (structural maintenance of chromosomes 1A; minus strand). Cytogenetic location: Xp11.22.
Variant type: single nucleotide variant.
Coding change: c.3206G>A on transcript NM_006306.4 (MANE Select); coding-DNA position 3206, G replaced by A.
Protein change: p.Arg1069His; replaces arginine 1069 with histidine.
Molecular consequence: missense variant.
Genome position (GRCh38, 1-based): chrX:53,382,585, C>T on the plus strand (G>A on the coding strand, the complement: SMC1A is on the minus strand). VCF-style: chrX-53382585-C-T. GRCh37 (hg19) VCF-style: chrX-53409506-C-T.
Other names: c.3140G>A, p.Arg1047His (NM_001281463.1); short protein forms R1047H, R1069H.
Identifiers: ClinVar variation 4808027 (VCV004808027.1).
Genomic context (GRCh38, chrX:53,382,585, plus strand): 5'-GACAGGGCCTTATAGATCTCATCAATGTTGGTAGCCACAGATTCAAAACAAGCATTGAAG[C>T]GGTCAAAGCGCTCCTTCTTGATCTGTTCGAATGCCTGCTTGGCCTTCTTTGCTCGCTTTC-3'
Protein context (NP_006297.2, residues 1059-1079): FEQIKKERFD[Arg1069His]FNACFESVAT

ClinVar aggregate classification (germline): Uncertain significance (1 of 4 stars; one submission).

Conditions:
Congenital muscular hypertrophy-cerebral syndrome (CDLS2). Also called: SMC1A-Related Cornelia de Lange Syndrome; Cornelia de Lange syndrome 2. Identifiers: Orphanet 199, MedGen C1802395, MONDO:0010370, OMIM 300590.

gnomAD v4.1: 2 of 1,209,452 alleles (0.00017%); highest among the groups gnomAD compares: South Asian, 0.0018%; no homozygotes.

Submission:

Labcorp Genetics (formerly Invitae), Labcorp
Classification: Uncertain significance for Congenital muscular hypertrophy-cerebral syndrome. Last evaluated: 2025-12-16. Review status: criteria provided, single submitter. Criteria: Invitae Variant Classification Sherloc (09022015). Collection method: clinical testing. Allele origin: germline.
Comment: This sequence change replaces arginine, which is basic and polar, with histidine, which is basic and polar, at codon 1069 of the SMC1A protein (p.Arg1069His). This variant is not present in population databases (gnomAD no frequency). This variant has not been reported in the literature in individuals affected with SMC1A-related conditions. Invitae Evidence Modeling of protein sequence and biophysical properties (such as structural, functional, and spatial information, amino acid conservation, physicochemical variation, residue mobility, and thermodynamic stability) indicates that this missense variant is not expected to disrupt SMC1A protein function with a negative predictive value of 80%. In summary, the available evidence is currently insufficient to determine the role of this variant in disease. Therefore, it has been classified as a Variant of Uncertain Significance.